The following is an entry in ClinVar:

NM_020987.5(ANK3):c.2606T>C (p.Val869Ala)

Gene: ANK3 (ankyrin 3; minus strand). Cytogenetic location: 10q21.2.
Variant type: single nucleotide variant.
Coding change: c.2606T>C on transcript NM_020987.5 (MANE Select); coding-DNA position 2606, T replaced by C.
Protein change: p.Val869Ala; replaces valine 869 with alanine.
Molecular consequence: missense variant.
Genome position (GRCh38, 1-based): chr10:60,166,599, A>G on the plus strand (T>C on the coding strand, the complement: ANK3 is on the minus strand). VCF-style: chr10-60166599-A-G. GRCh37 (hg19) VCF-style: chr10-61926357-A-G.
Other names: c.2588T>C, p.Val863Ala (NM_001204403.2); c.2555T>C, p.Val852Ala (NM_001204404.2); c.2606T>C, p.Val869Ala (NM_001320874.2); short protein forms V869A, V863A, V852A.
Identifiers: ClinVar variation 2179990 (VCV002179990.1), dbSNP rs1376541135, ClinGen allele CA376982629.

ClinVar aggregate classification (germline): Uncertain significance (1 of 4 stars; one submission).

Allele frequency attached by ClinVar (database versions not stated): gnomAD 0.00001; TOPMed 0.00001.
gnomAD v4.1: 4 of 1,613,410 alleles (0.00025%); highest among the groups gnomAD compares: South Asian, 0.0033%; no homozygotes.

Submission:

Labcorp Genetics (formerly Invitae), Labcorp
Classification: Uncertain significance. Last evaluated: 2022-04-12. Review status: criteria provided, single submitter. Criteria: Invitae Variant Classification Sherloc (09022015). Collection method: clinical testing. Allele origin: germline.
Comment: This sequence change replaces valine, which is neutral and non-polar, with alanine, which is neutral and non-polar, at codon 869 of the ANK3 protein (p.Val869Ala). This variant is not present in population databases (gnomAD no frequency). This variant has not been reported in the literature in individuals affected with ANK3-related conditions. Algorithms developed to predict the effect of missense changes on protein structure and function are either unavailable or do not agree on the potential impact of this missense change (SIFT: "Not Available"; PolyPhen-2: "Benign"; Align-GVGD: "Not Available"). In summary, the available evidence is currently insufficient to determine the role of this variant in disease. Therefore, it has been classified as a Variant of Uncertain Significance.